The following is an entry in ClinVar:

ClinVar aggregate classification (germline): Conflicting classifications of pathogenicity. Review status: criteria provided, conflicting classifications (1 of 4 stars). 2 submissions from 2 submitters: Uncertain significance (1); Likely benign (1). Last evaluated 2024-02-13.

Conditions:
Inborn genetic diseases. Identifiers: MedGen C0950123, MeSH D030342.
Myopathy, proximal, and ophthalmoplegia (CMYO6). Also called: CONGENITAL MYOPATHY 6 WITH OPHTHALMOPLEGIA; MYOPATHY WITH CONGENITAL JOINT CONTRACTURES, OPHTHALMOPLEGIA, AND RIMMED VACUOLES; INCLUSION BODY MYOPATHY 3, AUTOSOMAL DOMINANT. Identifiers: Orphanet 363677, Orphanet 79091, MedGen C1854106, MONDO:0011577, OMIM 605637.

gnomAD v4.1: 8 of 1,613,268 alleles (0.0005%); highest among the groups gnomAD compares: African/African-American, 0.0067%; no homozygotes.

Submissions (2):

Ambry Genetics
Classification: Likely benign for Inborn genetic diseases. Last evaluated: 2024-02-13. Review status: criteria provided, single submitter. Criteria: Ambry Variant Classification Scheme 2023. Collection method: clinical testing. Allele origin: germline.

Labcorp Genetics (formerly Invitae), Labcorp
Classification: Uncertain significance for Myopathy, proximal, and ophthalmoplegia. Last evaluated: 2024-02-12. Review status: criteria provided, single submitter. Criteria: Invitae Variant Classification Sherloc (09022015). Collection method: clinical testing. Allele origin: germline.
Comment: This sequence change replaces glycine, which is neutral and non-polar, with alanine, which is neutral and non-polar, at codon 634 of the MYH2 protein (p.Gly634Ala). This variant is present in population databases (rs770538729, gnomAD 0.007%). This variant has not been reported in the literature in individuals affected with MYH2-related conditions. ClinVar contains an entry for this variant (Variation ID: 1414131). Advanced modeling of protein sequence and biophysical properties (such as structural, functional, and spatial information, amino acid conservation, physicochemical variation, residue mobility, and thermodynamic stability) performed at Invitae indicates that this missense variant is not expected to disrupt MYH2 protein function with a negative predictive value of 80%. In summary, the available evidence is currently insufficient to determine the role of this variant in disease. Therefore, it has been classified as a Variant of Uncertain Significance.

NM_017534.6(MYH2):c.1901G>C (p.Gly634Ala)

Genes: MYH2 (myosin heavy chain 2; minus strand), MYHAS (myosin heavy chain gene cluster antisense RNA; plus strand). Cytogenetic location: 17p13.1.
Variant type: single nucleotide variant.
Coding change: c.1901G>C on transcript NM_017534.6 (MANE Select); coding-DNA position 1901, G replaced by C.
Protein change: p.Gly634Ala; replaces glycine 634 with alanine.
Molecular consequence: missense variant.
Genome position (GRCh38, 1-based): chr17:10,536,603, C>G on the plus strand (G>C on the coding strand, the complement: MYH2 is on the minus strand). VCF-style: chr17-10536603-C-G. GRCh37 (hg19) VCF-style: chr17-10439920-C-G.
Other names: c.1901G>C, p.Gly634Ala (NM_001100112.2); c.1901G>C (NM_017534.5); short protein forms G634A.
Identifiers: ClinVar variation 1414131 (VCV001414131.9), dbSNP rs770538729, ClinGen allele CA8391266.